The following is an entry in ClinVar:

ClinVar aggregate classification (germline): Uncertain significance (1 of 4 stars; one submission).

Conditions:
COG7 congenital disorder of glycosylation (CDG2E). Also called: CDG IIe; CONGENITAL DISORDER OF GLYCOSYLATION, TYPE IIe. Identifiers: Orphanet 79333, MedGen C2931010, MONDO:0012118, OMIM 608779.

gnomAD v4.1: 16 of 1,614,208 alleles (0.00099%); highest among the groups gnomAD compares: Non-Finnish European, 0.0014%; no homozygotes.

Submission:

Labcorp Genetics (formerly Invitae), Labcorp
Classification: Uncertain significance for COG7 congenital disorder of glycosylation. Last evaluated: 2021-08-09. Review status: criteria provided, single submitter. Criteria: Invitae Variant Classification Sherloc (09022015). Collection method: clinical testing. Allele origin: germline.
Comment: In summary, the available evidence is currently insufficient to determine the role of this variant in disease. Therefore, it has been classified as a Variant of Uncertain Significance. Algorithms developed to predict the effect of missense changes on protein structure and function output the following: SIFT: "Tolerated"; PolyPhen-2: "Benign"; Align-GVGD: "Class C0". The leucine amino acid residue is found in multiple mammalian species, which suggests that this missense change does not adversely affect protein function. This variant has not been reported in the literature in individuals affected with COG7-related conditions. This variant is present in population databases (rs116314856, ExAC 0.01%). This sequence change replaces valine with leucine at codon 302 of the COG7 protein (p.Val302Leu). The valine residue is moderately conserved and there is a small physicochemical difference between valine and leucine.

NM_153603.4(COG7):c.904G>C (p.Val302Leu)

Gene: COG7 (component of oligomeric golgi complex 7; minus strand). Cytogenetic location: 16p12.2.
Variant type: single nucleotide variant.
Coding change: c.904G>C on transcript NM_153603.4 (MANE Select); coding-DNA position 904, G replaced by C.
Protein change: p.Val302Leu; replaces valine 302 with leucine.
Molecular consequence: missense variant.
Genome position (GRCh38, 1-based): chr16:23,424,854, C>G on the plus strand (G>C on the coding strand, the complement: COG7 is on the minus strand). VCF-style: chr16-23424854-C-G. GRCh37 (hg19) VCF-style: chr16-23436175-C-G.
Other names: short protein forms V302L.
Identifiers: ClinVar variation 1490759 (VCV001490759.8), dbSNP rs116314856, ClinGen allele CA7961144.